The following is an entry in ClinVar:

ClinVar aggregate classification (germline): Uncertain significance (1 of 4 stars; one submission).

Conditions:
LOXHD1-related disorder. Also called: LOXHD1-related condition.

gnomAD v4.1: 37 of 1,551,780 alleles (0.0024%); highest among the groups gnomAD compares: South Asian, 0.018%; no homozygotes.

Submission:

PreventionGenetics, part of Exact Sciences
Classification: Uncertain significance for LOXHD1-related condition. Last evaluated: 2025-06-23. Review status: criteria provided, single submitter. Criteria: ACMG Guidelines, 2015. Collection method: clinical testing. Allele origin: germline.
Comment: The LOXHD1 c.6397C>T variant is predicted to result in the amino acid substitution p.Arg2133Cys. To our knowledge, this variant has not been reported in the literature. This variant is reported in 0.016% of alleles in individuals of East Asian descent in gnomAD. At this time, the clinical significance of this variant is uncertain due to the absence of conclusive functional and genetic evidence.

NM_001384474.1(LOXHD1):c.6583C>T (p.Arg2195Cys)

Gene: LOXHD1 (lipoxygenase homology PLAT domains 1; minus strand). Cytogenetic location: 18q21.1.
Variant type: single nucleotide variant.
Coding change: c.6583C>T on transcript NM_001384474.1 (MANE Select); coding-DNA position 6583, C replaced by T.
Protein change: p.Arg2195Cys; replaces arginine 2195 with cysteine.
Molecular consequence: missense variant.
Genome position (GRCh38, 1-based): chr18:46,477,711, G>A on the plus strand (C>T on the coding strand, the complement: LOXHD1 is on the minus strand). VCF-style: chr18-46477711-G-A. GRCh37 (hg19) VCF-style: chr18-44057674-G-A.
Other names: c.3250C>T, p.Arg1084Cys (NM_001145472.3); c.1300C>T, p.Arg434Cys (NM_001145473.3, NM_001173129.2); c.2962C>T, p.Arg988Cys (NM_001308013.2); c.6397C>T, p.Arg2133Cys (NM_144612.7); short protein forms R1084C, R2195C, R988C, R434C, R2133C.
Identifiers: ClinVar variation 4981378 (VCV004981378.1).